The following is an entry in ClinVar:

ClinVar aggregate classification (germline): Uncertain significance (1 of 4 stars; one submission).

Submission:

GeneDx
Classification: Uncertain significance. Last evaluated: 2024-12-05. Review status: criteria provided, single submitter. Criteria: GeneDx Variant Classification Process June 2021. Collection method: clinical testing. Allele origin: germline. Affected: yes.
Comment: Not observed at significant frequency in large population cohorts (gnomAD); In silico analysis supports that this missense variant has a deleterious effect on protein structure/function; Has not been previously published as pathogenic or benign to our knowledge

NM_001353921.2(ARHGEF9):c.242A>G (p.Glu81Gly)

Gene: ARHGEF9 (Cdc42 guanine nucleotide exchange factor 9; minus strand). Cytogenetic location: Xq11.1.
Variant type: single nucleotide variant.
Coding change: c.242A>G on transcript NM_001353921.2 (MANE Select); coding-DNA position 242, A replaced by G.
Protein change: p.Glu81Gly; replaces glutamic acid 81 with glycine.
Molecular consequence: missense variant. On other transcripts: 5 prime UTR variant (3).
Genome position (GRCh38, 1-based): chrX:63,706,418, T>C on the plus strand (A>G on the coding strand, the complement: ARHGEF9 is on the minus strand). VCF-style: chrX-63706418-T-C. GRCh37 (hg19) VCF-style: chrX-62926298-T-C.
Other names: c.62A>G, p.Glu21Gly (NM_001173479.2); c.-86A>G (NM_001173480.2, NM_001369042.1); c.158A>G, p.Glu53Gly (NM_001330495.2, NM_001353927.2, NM_001369033.1 and 8 more transcripts); c.242A>G, p.Glu81Gly (NM_001353922.2); c.260A>G, p.Glu87Gly (NM_001353923.1); c.41A>G, p.Glu14Gly (NM_001353924.2, NM_001353926.2, NM_001369039.1 and 1 more transcripts); c.221A>G, p.Glu74Gly (NM_001353928.2, NM_001369030.1, NM_001369031.1 and 2 more transcripts); c.-462A>G (NM_001369045.1); short protein forms E14G, E21G, E53G, E74G, E81G, E87G.
Identifiers: ClinVar variation 3901715 (VCV003901715.1).
Genomic context (GRCh38, chrX:63,706,418, plus strand): 5'-CCCAGACAGAGGCAGTCTGAATTGGGGTCCAGGTGTCCGTTCTGCACATCGCTGGGCCCC[T>C]CCTCCACCTCATCCTCCTGGTTCACCCAGAGCTGTGGAAGCAGGCAAAAGAAAAATAATG-3'
Protein context (NP_001340850.1, residues 71-91): LWVNQEDEVE[Glu81Gly]GPSDVQNGHL